The following is an entry in ClinVar:

NM_198578.4(LRRK2):c.7043C>G (p.Ala2348Gly)

Gene: LRRK2 (leucine rich repeat kinase 2; plus strand). Cytogenetic location: 12q12.
Variant type: single nucleotide variant.
Coding change: c.7043C>G on transcript NM_198578.4 (MANE Select); coding-DNA position 7043, C replaced by G.
Protein change: p.Ala2348Gly; replaces alanine 2348 with glycine.
Molecular consequence: missense variant.
Genome position (GRCh38, 1-based): chr12:40,363,416, C>G. VCF-style: chr12-40363416-C-G. GRCh37 (hg19) VCF-style: chr12-40757218-C-G.
Other names: short protein forms A2348G.
Identifiers: ClinVar variation 2747048 (VCV002747048.3), dbSNP rs1488592326, ClinGen allele CA384413099.

ClinVar aggregate classification (germline): Uncertain significance (1 of 4 stars; one submission).

Conditions:
Autosomal dominant Parkinson disease 8. Also called: Parkinson disease 8, susceptibility to; LRRK2-Related Parkinson Disease; Parkinson disease 8. Identifiers: Orphanet 411602, MedGen C1846862, MONDO:0011764, OMIM 607060.

Submission:

Labcorp Genetics (formerly Invitae), Labcorp
Classification: Uncertain significance for Autosomal dominant Parkinson disease 8. Last evaluated: 2023-07-26. Review status: criteria provided, single submitter. Criteria: Invitae Variant Classification Sherloc (09022015). Collection method: clinical testing. Allele origin: germline.
Comment: In summary, the available evidence is currently insufficient to determine the role of this variant in disease. Therefore, it has been classified as a Variant of Uncertain Significance. Advanced modeling of protein sequence and biophysical properties (such as structural, functional, and spatial information, amino acid conservation, physicochemical variation, residue mobility, and thermodynamic stability) has been performed at Invitae for this missense variant, however the output from this modeling did not meet the statistical confidence thresholds required to predict the impact of this variant on LRRK2 protein function. This sequence change replaces alanine, which is neutral and non-polar, with glycine, which is neutral and non-polar, at codon 2348 of the LRRK2 protein (p.Ala2348Gly). This variant is not present in population databases (gnomAD no frequency). This variant has not been reported in the literature in individuals affected with LRRK2-related conditions.